The following is an entry in ClinVar:

NM_001101.5(ACTB):c.931G>A (p.Asp311Asn)

Gene: ACTB (actin beta; minus strand). Cytogenetic location: 7p22.1.
Variant type: single nucleotide variant.
Coding change: c.931G>A on transcript NM_001101.5 (MANE Select); coding-DNA position 931, G replaced by A.
Protein change: p.Asp311Asn; replaces aspartic acid 311 with asparagine.
Molecular consequence: missense variant.
Genome position (GRCh38, 1-based): chr7:5,528,057, C>T on the plus strand (G>A on the coding strand, the complement: ACTB is on the minus strand). VCF-style: chr7-5528057-C-T. GRCh37 (hg19) VCF-style: chr7-5567688-C-T.
Other names: short protein forms D311N.
Identifiers: ClinVar variation 3338764 (VCV003338764.1).

ClinVar aggregate classification (germline): Uncertain significance (1 of 4 stars; one submission).

Submission:

GeneDx
Classification: Uncertain significance. Last evaluated: 2024-02-26. Review status: criteria provided, single submitter. Criteria: GeneDx Variant Classification Process June 2021. Collection method: clinical testing. Allele origin: germline. Affected: yes.
Comment: Not observed at significant frequency in large population cohorts (gnomAD); Missense variants in this gene are a common cause of disease and they are underrepresented in the general population; In silico analysis supports that this missense variant does not alter protein structure/function; Has not been previously published as pathogenic or benign to our knowledge